The following is an entry in ClinVar:

ClinVar aggregate classification (germline): Uncertain significance (1 of 4 stars; one submission).

Conditions:
Hypertrophic cardiomyopathy 12. Identifiers: MedGen C2677491, MONDO:0012804, OMIM 612124.
Dilated cardiomyopathy 1M (CMD1M). Identifiers: Orphanet 154, MedGen C1843808, MONDO:0011840, OMIM 607482.

Submission:

Labcorp Genetics (formerly Invitae), Labcorp
Classification: Uncertain significance for Hypertrophic cardiomyopathy 12; Dilated cardiomyopathy 1M. Last evaluated: 2019-10-21. Review status: criteria provided, single submitter. Criteria: Invitae Variant Classification Sherloc (09022015). Collection method: clinical testing. Allele origin: germline.
Comment: This sequence change replaces cysteine with glycine at codon 37 of the CSRP3 protein (p.Cys37Gly). The cysteine residue is highly conserved and there is a large physicochemical difference between cysteine and glycine. This variant is not present in population databases (ExAC no frequency). This variant has not been reported in the literature in individuals with CSRP3-related disease. Algorithms developed to predict the effect of missense changes on protein structure and function (SIFT, PolyPhen-2, Align-GVGD) all suggest that this variant is likely to be disruptive, but these predictions have not been confirmed by published functional studies and their clinical significance is uncertain. In summary, the available evidence is currently insufficient to determine the role of this variant in disease. Therefore, it has been classified as a Variant of Uncertain Significance.

NM_003476.5(CSRP3):c.109T>G (p.Cys37Gly)

Gene: CSRP3 (cysteine and glycine rich protein 3; minus strand). Cytogenetic location: 11p15.1.
Variant type: single nucleotide variant.
Coding change: c.109T>G on transcript NM_003476.5 (MANE Select); coding-DNA position 109, T replaced by G.
Protein change: p.Cys37Gly; replaces cysteine 37 with glycine.
Molecular consequence: missense variant.
Genome position (GRCh38, 1-based): chr11:19,192,340, A>C on the plus strand (T>G on the coding strand, the complement: CSRP3 is on the minus strand). VCF-style: chr11-19192340-A-C. GRCh37 (hg19) VCF-style: chr11-19213887-A-C.
Other names: c.109T>G, p.Cys37Gly (NM_001369404.1); short protein forms C37G.
Identifiers: ClinVar variation 572840 (VCV000572840.10), dbSNP rs776468900, ClinGen allele CA379888469.